The following is an entry in ClinVar:

ClinVar aggregate classification (germline): Uncertain significance (1 of 4 stars; one submission).

Conditions:
Arrhythmogenic right ventricular dysplasia 11. Also called: Arrhythmogenic right ventricular dysplasia 11 with mild palmoplantar keratoderma and woolly hair; Arrhythmogenic Right Ventricular Dysplasia/Cardiomyopathy11; ARRHYTHMOGENIC RIGHT VENTRICULAR DYSPLASIA, FAMILIAL, 11. Identifiers: MedGen C1864850, MONDO:0012506, OMIM 610476.

Allele frequency attached by ClinVar (database versions not stated): gnomAD 0.00001.

Submission:

Labcorp Genetics (formerly Invitae), Labcorp
Classification: Uncertain significance for Arrhythmogenic right ventricular dysplasia 11. Last evaluated: 2021-10-06. Review status: criteria provided, single submitter. Criteria: Invitae Variant Classification Sherloc (09022015). Collection method: clinical testing. Allele origin: germline.
Comment: In summary, the available evidence is currently insufficient to determine the role of this variant in disease. Therefore, it has been classified as a Variant of Uncertain Significance. Algorithms developed to predict the effect of sequence changes on RNA splicing suggest that this variant may create or strengthen a splice site. Algorithms developed to predict the effect of missense changes on protein structure and function are either unavailable or do not agree on the potential impact of this missense change (SIFT: "Tolerated"; PolyPhen-2: "Probably Damaging"; Align-GVGD: "Class C0"). This variant has not been reported in the literature in individuals affected with DSC2-related conditions. This variant is not present in population databases (ExAC no frequency). This sequence change replaces leucine with valine at codon 374 of the DSC2 protein (p.Leu374Val). The leucine residue is highly conserved and there is a small physicochemical difference between leucine and valine.

NM_024422.6(DSC2):c.1120T>G (p.Leu374Val)

Gene: DSC2 (desmocollin 2; minus strand). Cytogenetic location: 18q12.1.
Variant type: single nucleotide variant.
Coding change: c.1120T>G on transcript NM_024422.6 (MANE Select); coding-DNA position 1120, T replaced by G.
Protein change: p.Leu374Val; replaces leucine 374 with valine.
Molecular consequence: missense variant.
Genome position (GRCh38, 1-based): chr18:31,082,381, A>C on the plus strand (T>G on the coding strand, the complement: DSC2 is on the minus strand). VCF-style: chr18-31082381-A-C. GRCh37 (hg19) VCF-style: chr18-28662347-A-C.
Other names: c.1120T>G, p.Leu374Val (NM_004949.5); short protein forms L374V.
Identifiers: ClinVar variation 1419425 (VCV001419425.6), dbSNP rs1987251997, ClinGen allele CA402109942.
Genomic context (GRCh38, chr18:31,082,381, plus strand): 5'-TATAATTAGCTCTCCAGTTAGCAGTATTCACTAAGTCCTTATCCTCAACAGTAACTCGTA[A>C]GATTTCCACATCAACTGTATTTTCTTCCACTGATGTCACATACTAAAATAATAAAAGCAA-3'
Protein context (NP_077740.1, residues 364-384): VEENTVDVEI[Leu374Val]RVTVEDKDLV